The following is an entry in ClinVar:

ClinVar aggregate classification (germline): Uncertain significance (1 of 4 stars; one submission).

Submission:

Labcorp Genetics (formerly Invitae), Labcorp
Classification: Uncertain significance. Last evaluated: 2022-09-14. Review status: criteria provided, single submitter. Criteria: Invitae Variant Classification Sherloc (09022015). Collection method: clinical testing. Allele origin: germline.
Comment: In summary, the available evidence is currently insufficient to determine the role of this variant in disease. Therefore, it has been classified as a Variant of Uncertain Significance. Algorithms developed to predict the effect of missense changes on protein structure and function (SIFT, PolyPhen-2, Align-GVGD) all suggest that this variant is likely to be disruptive. This variant has not been reported in the literature in individuals affected with KLHL7-related conditions. This variant is not present in population databases (gnomAD no frequency). This sequence change replaces valine, which is neutral and non-polar, with leucine, which is neutral and non-polar, at codon 60 of the KLHL7 protein (p.Val60Leu).

NM_001031710.3(KLHL7):c.178G>C (p.Val60Leu)

Gene: KLHL7 (kelch like family member 7; plus strand). Cytogenetic location: 7p15.3.
Variant type: single nucleotide variant.
Coding change: c.178G>C on transcript NM_001031710.3 (MANE Select); coding-DNA position 178, G replaced by C.
Protein change: p.Val60Leu; replaces valine 60 with leucine.
Molecular consequence: missense variant. On other transcripts: non-coding transcript variant (2).
Genome position (GRCh38, 1-based): chr7:23,123,834, G>C. VCF-style: chr7-23123834-G-C. GRCh37 (hg19) VCF-style: chr7-23163453-G-C.
Other names: c.178G>C, p.Val60Leu (NM_001172428.2); c.34G>C, p.Val12Leu (NM_018846.5); short protein forms V12L, V60L.
Identifiers: ClinVar variation 1716330 (VCV001716330.5), dbSNP rs2534805769, ClinGen allele CA366974663.
Genomic context (GRCh38, chr7:23,123,834, plus strand): 5'-TAGAAAACGTTGTGTGACGTGATCCTCATGGTCCAGGAAAGAAAGATACCTGCTCATCGT[G>C]TTGTTCTTGCTGCAGCCAGTCATTTTTTTAACTTAATGTTCACAAGTAAGTATCTTAAGG-3'
Protein context (NP_001026880.2, residues 50-70): VQERKIPAHR[Val60Leu]VLAAASHFFN